The following is an entry in ClinVar:

NM_001276345.2(TNNT2):c.620A>G (p.Lys207Arg)

Gene: TNNT2 (troponin T2, cardiac type; minus strand). Cytogenetic location: 1q32.1.
Variant type: single nucleotide variant.
Coding change: c.620A>G on transcript NM_001276345.2 (MANE Select); coding-DNA position 620, A replaced by G.
Protein change: p.Lys207Arg; replaces lysine 207 with arginine.
Molecular consequence: missense variant.
Genome position (GRCh38, 1-based): chr1:201,362,012, T>C on the plus strand (A>G on the coding strand, the complement: TNNT2 is on the minus strand). VCF-style: chr1-201362012-T-C. GRCh37 (hg19) VCF-style: chr1-201331140-T-C.
Other names: c.611A>G, p.Lys204Arg (NM_000364.4, NM_001406723.1); c.590A>G, p.Lys197Arg (NM_001001430.3, NM_001276347.2, NM_001406724.1); c.581A>G, p.Lys194Arg (NM_001001431.3, NM_001406726.1, NM_001406727.1); c.572A>G, p.Lys191Arg (NM_001001432.3); c.491A>G, p.Lys164Arg (NM_001276346.2); c.587A>G, p.Lys196Arg (NM_001406725.1); c.575A>G, p.Lys192Arg (NM_001406728.1); short protein forms K192R, K194R, K197R, K204R, K191R, K196R, K164R, K207R.
Identifiers: ClinVar variation 1750434 (VCV001750434.8), dbSNP rs1393710806, ClinGen allele CA344203983.

ClinVar aggregate classification (germline): Uncertain significance. Review status: criteria provided, multiple submitters, no conflicts (2 of 4 stars). 5 submissions from 3 submitters: Uncertain significance (5). Last evaluated 2023-04-11.

Conditions:
Cardiovascular phenotype. Identifiers: MedGen CN230736.
Hypertrophic cardiomyopathy 2. Also called: TNNT2-Related Familial Hypertrophic Cardiomyopathy. Identifiers: MedGen C1861864, MONDO:0007266, OMIM 115195.
Cardiomyopathy, familial restrictive, 3. Identifiers: Orphanet 75249, MedGen C2676271, MONDO:0012900, OMIM 612422.
Dilated cardiomyopathy 1D. Identifiers: Orphanet 154, Orphanet 54260, MedGen C1832243, MONDO:0011095, OMIM 601494.

Allele frequency attached by ClinVar (database versions not stated): TOPMed 0.00001.

Submissions (5):

Genome-Nilou Lab
Classification: Uncertain significance for Dilated cardiomyopathy 1D. Last evaluated: 2023-04-11. Review status: criteria provided, single submitter. Criteria: ACMG Guidelines, 2015. Collection method: clinical testing. Allele origin: germline. Affected: no.

Genome-Nilou Lab
Classification: Uncertain significance for Cardiomyopathy, familial restrictive, 3. Last evaluated: 2023-04-11. Review status: criteria provided, single submitter. Criteria: ACMG Guidelines, 2015. Collection method: clinical testing. Allele origin: germline. Affected: no.

Genome-Nilou Lab
Classification: Uncertain significance for Hypertrophic cardiomyopathy 2. Last evaluated: 2023-04-11. Review status: criteria provided, single submitter. Criteria: ACMG Guidelines, 2015. Collection method: clinical testing. Allele origin: germline. Affected: no.

Labcorp Genetics (formerly Invitae), Labcorp
Classification: Uncertain significance for Cardiomyopathy, familial restrictive, 3; Hypertrophic cardiomyopathy 2; Dilated cardiomyopathy 1D. Last evaluated: 2022-06-03. Review status: criteria provided, single submitter. Criteria: Invitae Variant Classification Sherloc (09022015). Collection method: clinical testing. Allele origin: germline.
Comment: In summary, the available evidence is currently insufficient to determine the role of this variant in disease. Therefore, it has been classified as a Variant of Uncertain Significance. Algorithms developed to predict the effect of missense changes on protein structure and function output the following: SIFT: "Tolerated"; PolyPhen-2: "Benign"; Align-GVGD: "Class C0". The arginine amino acid residue is found in multiple mammalian species, which suggests that this missense change does not adversely affect protein function. This variant has not been reported in the literature in individuals affected with TNNT2-related conditions. This variant is not present in population databases (gnomAD no frequency). This sequence change replaces lysine, which is basic and polar, with arginine, which is basic and polar, at codon 197 of the TNNT2 protein (p.Lys197Arg).

Ambry Genetics
Classification: Uncertain significance for Cardiovascular phenotype. Last evaluated: 2021-12-13. Review status: criteria provided, single submitter. Criteria: Ambry Variant Classification Scheme 2023. Collection method: clinical testing. Allele origin: germline.
Comment: The p.K197R variant (also known as c.590A>G), located in coding exon 12 of the TNNT2 gene, results from an A to G substitution at nucleotide position 590. The lysine at codon 197 is replaced by arginine, an amino acid with highly similar properties. This amino acid position is conserved. In addition, the in silico prediction for this alteration is inconclusive. Since supporting evidence is limited at this time, the clinical significance of this alteration remains unclear.